The following is an entry in ClinVar:

ClinVar aggregate classification (germline): Pathogenic (1 of 4 stars; one submission).

Conditions:
Von Hippel-Lindau syndrome (VHLS). Also called: Von Hippel-Lindau; von Hippel–Lindau syndrome; VHL syndrome. Identifiers: Orphanet 892, MedGen C0019562, MONDO:0008667, OMIM 193300. Disease mechanism: loss of function.

Submission:

Myriad Genetics, Inc.
Classification: Pathogenic for Von Hippel-Lindau syndrome. Last evaluated: 2023-09-06. Review status: criteria provided, single submitter. Criteria: Myriad Autosomal Dominant, Autosomal Recessive and X-Linked Classification Criteria (2023). Collection method: clinical testing. Allele origin: unknown.
Comment: This variant is considered pathogenic. This variant creates a termination codon and is predicted to result in premature protein truncation.

NM_000551.4(VHL):c.555_557del (p.Tyr185_Glu186delinsTer)

Genes: VHL (von Hippel-Lindau tumor suppressor; plus strand), LOC107303340 (3p25 von Hippel-Lindau tumor suppressor, E3 ubiquitin protein ligase Alu-mediated recombination region; plus strand). Cytogenetic location: 3p25.3.
Variant type: Deletion.
Coding change: c.555_557del on transcript NM_000551.4 (MANE Select); coding-DNA positions 555 to 557, 3 bases deleted (CGA; older notation c.555_557delCGA).
Protein change: p.Tyr185_Glu186delinsTer.
Molecular consequence: nonsense. On other transcripts: 3 prime UTR variant (1), non-coding transcript variant (1).
Genome position (GRCh38, 1-based): chr3:10,149,878-10,149,880, CGA deleted; deleting any 3 consecutive bases within chr3:10,149,877-10,149,880 gives the same sequence; the c. name uses the placement nearest the transcript's 3' end. VCF-style (leftmost placement, unchanged base first): chr3-10149876-TACG-T. GRCh37 (hg19) VCF-style: chr3-10191560-TACG-T.
Other names: c.*109_*111del (NM_001354723.2); c.432_434del, p.Tyr144_Glu145delinsTer (NM_198156.3).
Identifiers: ClinVar variation 2674431 (VCV002674431.1), dbSNP rs2470171129, ClinGen allele CA2695197743.
Genomic context (GRCh38, chr3:10,149,876, plus strand): 5'-GTTGTCCGGAGCCTAGTCAAGCCTGAGAATTACAGGAGACTGGACATCGTCAGGTCGCTC[TACG>T]AAGATCTGGAAGACCACCCAAATGTGCAGAAAGACCTGGAGCGGCTGACACAGGAGCGCA-3'